The following is an entry in ClinVar:

NM_024675.4(PALB2):c.73_77del (p.Lys25fs)

Gene: PALB2 (partner and localizer of BRCA2; minus strand). Cytogenetic location: 16p12.2.
Variant type: Deletion.
Coding change: c.73_77del on transcript NM_024675.4 (MANE Select); coding-DNA positions 73 to 77, 5 bases deleted (AAAAG; older notation c.73_77delAAAAG).
Protein change: p.Lys25fs; shifts the reading frame from lysine 25.
Molecular consequence: frameshift variant. On other transcripts: intron variant (4), 5 prime UTR variant (8).
Genome position (GRCh38, 1-based): chr16:23,638,101-23,638,105, CTTTT deleted on the plus strand (AAAAG on the coding strand, the reverse complement: PALB2 is on the minus strand); deleting any 5 consecutive bases within chr16:23,638,101-23,638,106 gives the same sequence; the c. name uses the placement nearest the transcript's 3' end. VCF-style (leftmost placement, unchanged base first): chr16-23638100-CCTTTT-C. GRCh37 (hg19) VCF-style: chr16-23649421-CCTTTT-C.
Other names: c.73_77delAAAAG (NM_024675.3); c.48+3005_48+3009del (NM_001407314.1); c.-105+3005_-105+3009del (NM_001407313.1, NM_001407312.1); c.49-153_49-149del (NM_001407296.1); c.73_77del, p.Lys25fs (NM_001407301.1, NM_001407302.1, NM_001407297.1 and 3 more transcripts); c.-813_-809del (NM_001407304.1, NM_001407305.1, NM_001407306.1 and 5 more transcripts); short protein forms K25fs.
Identifiers: ClinVar variation 4861479 (VCV004861479.1).

ClinVar aggregate classification (germline): Pathogenic (1 of 4 stars; one submission).

Conditions:
Hereditary cancer-predisposing syndrome. Also called: Neoplastic Syndromes, Hereditary; Tumor predisposition; Hereditary Cancer Syndrome; Hereditary neoplastic syndrome. Identifiers: Orphanet 140162, MedGen C0027672, MeSH D009386, MONDO:0015356.

Submission:

Ambry Genetics
Classification: Pathogenic for Hereditary cancer-predisposing syndrome. Last evaluated: 2026-04-02. Review status: criteria provided, single submitter. Criteria: Ambry Variant Classification Scheme 2023. Collection method: clinical testing. Allele origin: germline.
Comment: The c.73_77delAAAAG pathogenic mutation, located in coding exon 2 of the PALB2 gene, results from a deletion of 5 nucleotides at nucleotide positions 73 to 77, causing a translational frameshift with a predicted alternate stop codon (p.K25Gfs*16). This variant is considered to be rare based on population cohorts in the Genome Aggregation Database (gnomAD). This alteration is expected to result in loss of function by premature protein truncation or nonsense-mediated mRNA decay. As such, this alteration is interpreted as a disease-causing mutation.